The following is an entry in ClinVar:

ClinVar aggregate classification (germline): Uncertain significance (1 of 4 stars; one submission).

Conditions:
Episodic ataxia type 2 (EA2). Also called: CEREBELLAR ATAXIA, PAROXYSMAL, ACETAZOLAMIDE-RESPONSIVE; CEREBELLOPATHY, HEREDITARY PAROXYSMAL; EPISODIC ATAXIA, NYSTAGMUS-ASSOCIATED; ACETAZOLAMIDE-RESPONSIVE HEREDITARY PAROXYSMAL CEREBELLAR ATAXIA; ATAXIA, EPISODIC, WITH NYSTAGMUS; ATAXIA, FAMILIAL PAROXYSMAL. Identifiers: Orphanet 97, MedGen C1720416, MONDO:0007163, OMIM 108500.
Developmental and epileptic encephalopathy, 42 (DEE42A). Also called: Epileptic encephalopathy, early infantile, 42; DEVELOPMENTAL AND EPILEPTIC ENCEPHALOPATHY 42A; EPILEPTIC ENCEPHALOPATHY, EARLY INFANTILE, 42A. Identifiers: MedGen C4310716, MONDO:0014917, OMIM 617106.

Submission:

Labcorp Genetics (formerly Invitae), Labcorp
Classification: Uncertain significance for Developmental and epileptic encephalopathy, 42; Episodic ataxia type 2. Last evaluated: 2023-10-13. Review status: criteria provided, single submitter. Criteria: Invitae Variant Classification Sherloc (09022015). Collection method: clinical testing. Allele origin: germline.
Comment: This sequence change replaces glutamic acid, which is acidic and polar, with glutamine, which is neutral and polar, at codon 967 of the CACNA1A protein (p.Glu967Gln). This variant is not present in population databases (gnomAD no frequency). This variant has not been reported in the literature in individuals affected with CACNA1A-related conditions. Advanced modeling of protein sequence and biophysical properties (such as structural, functional, and spatial information, amino acid conservation, physicochemical variation, residue mobility, and thermodynamic stability) performed at Invitae indicates that this missense variant is not expected to disrupt CACNA1A protein function. In summary, the available evidence is currently insufficient to determine the role of this variant in disease. Therefore, it has been classified as a Variant of Uncertain Significance.

NM_001127222.2(CACNA1A):c.2896G>C (p.Glu966Gln)

Gene: CACNA1A (calcium voltage-gated channel subunit alpha1 A; minus strand). Cytogenetic location: 19p13.13.
Variant type: single nucleotide variant.
Coding change: c.2896G>C on transcript NM_001127222.2 (MANE Select); coding-DNA position 2896, G replaced by C.
Protein change: p.Glu966Gln; replaces glutamic acid 966 with glutamine.
Molecular consequence: missense variant.
Genome position (GRCh38, 1-based): chr19:13,298,737, C>G on the plus strand (G>C on the coding strand, the complement: CACNA1A is on the minus strand). VCF-style: chr19-13298737-C-G. GRCh37 (hg19) VCF-style: chr19-13409551-C-G.
Other names: c.2908G>C, p.Glu970Gln (NM_000068.4, NM_023035.3); c.2899G>C, p.Glu967Gln (NM_001127221.2, NM_001174080.2); short protein forms E966Q, E970Q, E967Q.
Identifiers: ClinVar variation 2932096 (VCV002932096.3), dbSNP rs747456771, ClinGen allele CA404342501.